The following is an entry in ClinVar:

NM_000179.3(MSH6):c.1254_1255del (p.Gln419fs)

Gene: MSH6 (mutS homolog 6; plus strand). Cytogenetic location: 2p16.3.
Variant type: Microsatellite.
Coding change: c.1254_1255del on transcript NM_000179.3 (MANE Select); coding-DNA positions 1254 to 1255, 2 bases deleted (TC; older notation c.1254_1255delTC).
Protein change: p.Gln419fs; shifts the reading frame from glutamine 419.
Molecular consequence: frameshift variant.
Genome position (GRCh38, 1-based): chr2:47,799,237-47,799,238, TC deleted; deleting any 2 consecutive bases within chr2:47,799,235-47,799,238 gives the same sequence; the c. name uses the placement nearest the transcript's 3' end. VCF-style (leftmost placement, unchanged base first): chr2-47799234-GTC-G. GRCh37 (hg19) VCF-style: chr2-48026373-GTC-G.
Other names: c.1254_1255del (NM_000179.2); c.864_865del, p.Gln289fs (NM_001281492.2); c.348_349del, p.Gln117fs (NM_001281493.2, NM_001281494.2); short protein forms Q289fs, Q419fs, Q117fs.
Identifiers: ClinVar variation 439199 (VCV000439199.7), dbSNP rs1553412696, ClinGen allele CA645509104.

ClinVar aggregate classification (germline): Pathogenic/Likely pathogenic. Review status: criteria provided, multiple submitters, no conflicts (2 of 4 stars). 5 submissions from 5 submitters: Pathogenic (3); Likely pathogenic (2). Last evaluated 2025-02-03.

Conditions:
Hereditary cancer-predisposing syndrome. Also called: Hereditary neoplastic syndrome; Hereditary Cancer Syndrome; Tumor predisposition; Neoplastic Syndromes, Hereditary. Identifiers: Orphanet 140162, MedGen C0027672, MeSH D009386, MONDO:0015356.
Hereditary nonpolyposis colorectal neoplasms. Identifiers: MedGen C0009405, MeSH D003123.
Lynch syndrome. Identifiers: Orphanet 144, MedGen C4552100, MONDO:0005835. Disease mechanism: loss of function.
Lynch syndrome 5 (LYNCH5). Also called: Colorectal cancer, hereditary nonpolyposis, type 5; Hereditary non-polyposis colorectal cancer, type 5. Identifiers: Orphanet 144, MedGen C1833477, MONDO:0013710, OMIM 614350. Disease mechanism: loss of function.

Submissions (5):

Labcorp Genetics (formerly Invitae), Labcorp
Classification: Pathogenic for Hereditary nonpolyposis colorectal neoplasms. Last evaluated: 2025-02-03. Review status: criteria provided, single submitter. Criteria: Invitae Variant Classification Sherloc (09022015). Collection method: clinical testing. Allele origin: germline.
Comment: This sequence change creates a premature translational stop signal (p.Gln419Glufs*3) in the MSH6 gene. It is expected to result in an absent or disrupted protein product. Loss-of-function variants in MSH6 are known to be pathogenic (PMID: 18269114, 24362816). This variant is not present in population databases (gnomAD no frequency). This variant has not been reported in the literature in individuals affected with MSH6-related conditions. ClinVar contains an entry for this variant (Variation ID: 439199). For these reasons, this variant has been classified as Pathogenic.

All of Us Research Program, National Institutes of Health
Classification: Likely pathogenic for Lynch syndrome. Last evaluated: 2023-11-28. Review status: criteria provided, single submitter. Criteria: ACMG Guidelines, 2015. Collection method: clinical testing. Allele origin: germline. Inheritance: Autosomal dominant inheritance. Observed: 1 variant allele, 1 heterozygote.
Comment: This variant is predicted to result in loss of protein function through nonsense-mediated decay or protein truncation. Loss of function is an established mechanism of disease. To date, this variant has not been reported in association with human disease in the medical literature. This variant is absent from large population databases, including the Genome Aggregation Database.

This study involves interpretation of variants in research participants for the purpose of population health screening. Participant phenotype was not available at the time of variant classification. Additional details can be found in publication PMID: 35346344, PMCID: PMC8962531

Myriad Genetics, Inc.
Classification: Pathogenic for Lynch syndrome 5. Last evaluated: 2023-08-11. Review status: criteria provided, single submitter. Criteria: Myriad Autosomal Dominant, Autosomal Recessive and X-Linked Classification Criteria (2023). Collection method: clinical testing. Allele origin: unknown.
Comment: This variant is considered pathogenic. This variant creates a frameshift predicted to result in premature protein truncation.

Ambry Genetics
Classification: Pathogenic for Hereditary cancer-predisposing syndrome. Last evaluated: 2018-08-23. Review status: criteria provided, single submitter. Criteria: Ambry Variant Classification Scheme 2023. Collection method: clinical testing. Allele origin: germline.
Comment: The c.1254_1255delTC pathogenic mutation, located in coding exon 4 of the MSH6 gene, results from a deletion of two nucleotides at nucleotide positions 1254 to 1255, causing a translational frameshift with a predicted alternate stop codon (p.Q419Efs*3). This alteration is expected to result in loss of function by premature protein truncation or nonsense-mediated mRNA decay. As such, this alteration is interpreted as a disease-causing mutation.

Quest Diagnostics Nichols Institute San Juan Capistrano
Classification: Likely pathogenic. Last evaluated: 2017-03-16. Review status: criteria provided, single submitter. Criteria: Quest Diagnostics criteria. Collection method: clinical testing. Allele origin: germline.

Literature cited by the submitters: PubMed 18269114 (cited by Labcorp Genetics (formerly Invitae), Labcorp); PubMed 24362816 (cited by Labcorp Genetics (formerly Invitae), Labcorp).